The following is an entry in ClinVar:

ClinVar aggregate classification (germline): Uncertain significance (1 of 4 stars; one submission).

Submission:

Labcorp Genetics (formerly Invitae), Labcorp
Classification: Uncertain significance. Last evaluated: 2024-03-22. Review status: criteria provided, single submitter. Criteria: Invitae Variant Classification Sherloc (09022015). Collection method: clinical testing. Allele origin: germline.
Comment: This sequence change replaces arginine, which is basic and polar, with leucine, which is neutral and non-polar, at codon 401 of the PEPD protein (p.Arg401Leu). This variant is not present in population databases (gnomAD no frequency). This variant has not been reported in the literature in individuals affected with PEPD-related conditions. Advanced modeling of protein sequence and biophysical properties (such as structural, functional, and spatial information, amino acid conservation, physicochemical variation, residue mobility, and thermodynamic stability) performed at Invitae indicates that this missense variant is expected to disrupt PEPD protein function with a positive predictive value of 80%. In summary, the available evidence is currently insufficient to determine the role of this variant in disease. Therefore, it has been classified as a Variant of Uncertain Significance.

NM_000285.4(PEPD):c.1202G>T (p.Arg401Leu)

Gene: PEPD (peptidase D; minus strand). Cytogenetic location: 19q13.11.
Variant type: single nucleotide variant.
Coding change: c.1202G>T on transcript NM_000285.4 (MANE Select); coding-DNA position 1202, G replaced by T.
Protein change: p.Arg401Leu; replaces arginine 401 with leucine.
Molecular consequence: missense variant.
Genome position (GRCh38, 1-based): chr19:33,388,032, C>A on the plus strand (G>T on the coding strand, the complement: PEPD is on the minus strand). VCF-style: chr19-33388032-C-A. GRCh37 (hg19) VCF-style: chr19-33878938-C-A.
Other names: c.1079G>T, p.Arg360Leu (NM_001166056.2); c.1010G>T, p.Arg337Leu (NM_001166057.2); short protein forms R337L, R401L, R360L.
Identifiers: ClinVar variation 3644032 (VCV003644032.2).